The following is an entry in ClinVar:

NM_017617.5(NOTCH1):c.2468-19G>A

Gene: NOTCH1 (notch receptor 1; minus strand). Cytogenetic location: 9q34.3.
Variant type: single nucleotide variant.
Coding change: c.2468-19G>A on transcript NM_017617.5 (MANE Select); 19 bases into the intron before coding-DNA position 2468, G replaced by A.
Molecular consequence: intron variant.
Genome position (GRCh38, 1-based): chr9:136,511,290, C>T on the plus strand (G>A on the coding strand, the complement: NOTCH1 is on the minus strand). VCF-style: chr9-136511290-C-T. GRCh37 (hg19) VCF-style: chr9-139405742-C-T.
Other names: c.2468-19G>A (NM_017617.4, LRG_1122t1).
Identifiers: ClinVar variation 389533 (VCV000389533.12), dbSNP rs116515776, ClinGen allele CA5341301.

ClinVar aggregate classification (germline): Benign/Likely benign. Review status: criteria provided, multiple submitters, no conflicts (2 of 4 stars). 8 submissions from 7 submitters: Benign (7); Likely benign (1). Last evaluated 2026-02-01.

Conditions:
Aortic valve disease 1 (AOVD1). Identifiers: MedGen C3887892, MONDO:0024523, OMIM 109730.
Adams-Oliver syndrome 5 (AOS5). Identifiers: Orphanet 974, MedGen C4014970, MONDO:0014459, OMIM 616028.

Allele frequency attached by ClinVar (database versions not stated): gnomAD exomes 0.00121 and 0.00309; ExAC 0.00449; 1000 Genomes Project 30x 0.01156; 1000 Genomes Project 0.01198; gnomAD 0.01235 and 0.01328; ESP Exome Variant Server 0.01321; TOPMed 0.01362.
gnomAD v4.1: 3,671 of 1,603,352 alleles (0.23%); highest among the groups gnomAD compares: African/African-American, 4.4%; 69 homozygotes.

Submissions (8):

Labcorp Genetics (formerly Invitae), Labcorp
Classification: Benign for Adams-Oliver syndrome 5. Last evaluated: 2026-02-01. Review status: criteria provided, single submitter. Criteria: Invitae Variant Classification Sherloc (09022015). Collection method: clinical testing. Allele origin: germline.

Women's Health and Genetics/Laboratory Corporation of America, LabCorp
Classification: Benign. Last evaluated: 2023-05-28. Review status: criteria provided, single submitter. Criteria: LabCorp Variant Classification Summary - May 2015. Collection method: clinical testing. Allele origin: germline.

ARUP Laboratories, Molecular Genetics and Genomics, ARUP Laboratories
Classification: Benign. Last evaluated: 2023-04-21. Review status: criteria provided, single submitter. Criteria: ARUP Molecular Germline Variant Investigation Process 2024. Collection method: clinical testing. Allele origin: germline.

Fulgent Genetics
Classification: Likely benign for Aortic valve disease 1; Adams-Oliver syndrome 5. Last evaluated: 2022-04-05. Review status: criteria provided, single submitter. Criteria: ACMG Guidelines, 2015. Collection method: clinical testing. Allele origin: unknown.

Genome-Nilou Lab
Classification: Benign for Adams-Oliver syndrome 5. Last evaluated: 2022-03-15. Review status: criteria provided, single submitter. Criteria: ACMG Guidelines, 2015. Collection method: clinical testing. Allele origin: germline. Affected: no.

Genome-Nilou Lab
Classification: Benign for Aortic valve disease 1. Last evaluated: 2022-03-15. Review status: criteria provided, single submitter. Criteria: ACMG Guidelines, 2015. Collection method: clinical testing. Allele origin: germline. Affected: no.

GeneDx
Classification: Benign. Last evaluated: 2016-10-21. Review status: criteria provided, single submitter. Criteria: GeneDx Variant Classification (06012015). Collection method: clinical testing. Allele origin: germline. Affected: yes.
Comment: This variant is considered likely benign or benign based on one or more of the following criteria: it is a conservative change, it occurs at a poorly conserved position in the protein, it is predicted to be benign by multiple in silico algorithms, and/or has population frequency not consistent with disease.

Breakthrough Genomics
Classification: Benign. Review status: criteria provided, single submitter. Criteria: ACMG Guidelines, 2015. Collection method: not provided. Allele origin: germline. Inheritance: Autosomal dominant inheritance. Affected: yes.

Literature cited by the submitters: PubMed 16614245 (cited by Women's Health and Genetics/Laboratory Corporation of America, LabCorp); PubMed 19635999 (cited by Women's Health and Genetics/Laboratory Corporation of America, LabCorp); PubMed 19245433 (cited by Women's Health and Genetics/Laboratory Corporation of America, LabCorp); PubMed 22858860 (cited by Women's Health and Genetics/Laboratory Corporation of America, LabCorp).